The following is an entry in ClinVar:

ClinVar aggregate classification (germline): Pathogenic/Likely pathogenic. Review status: criteria provided, multiple submitters, no conflicts (2 of 4 stars). 2 submissions from 2 submitters: Pathogenic (1); Likely pathogenic (1). Last evaluated 2023-12-21.

Conditions:
RYR1-related disorder. Also called: RYR1-related condition; RYR1-related disorders. Identifiers: MedGen CN239331.

Submissions (2):

GeneDx
Classification: Likely pathogenic. Last evaluated: 2023-12-21. Review status: criteria provided, single submitter. Criteria: GeneDx Variant Classification Process June 2021. Collection method: clinical testing. Allele origin: germline. Affected: yes.
Comment: Not observed at significant frequency in large population cohorts (gnomAD); In silico analysis supports that this missense variant has a deleterious effect on protein structure/function; This variant is associated with the following publications: (PMID: 12668474, 23894444, 26019235)

Labcorp Genetics (formerly Invitae), Labcorp
Classification: Pathogenic for RYR1-related disorder. Last evaluated: 2023-10-04. Review status: criteria provided, single submitter. Criteria: Invitae Variant Classification Sherloc (09022015). Collection method: clinical testing. Allele origin: germline.
Comment: This sequence change replaces tyrosine, which is neutral and polar, with cysteine, which is neutral and slightly polar, at codon 3016 of the RYR1 protein (p.Tyr3016Cys). This variant is not present in population databases (gnomAD no frequency). This missense change has been observed in individuals with autosomal recessive congenital myopathy (PMID: 23894444; Invitae). It has also been observed to segregate with disease in related individuals. ClinVar contains an entry for this variant (Variation ID: 478296). Advanced modeling of protein sequence and biophysical properties (such as structural, functional, and spatial information, amino acid conservation, physicochemical variation, residue mobility, and thermodynamic stability) has been performed at Invitae for this missense variant, however the output from this modeling did not meet the statistical confidence thresholds required to predict the impact of this variant on RYR1 protein function. Experimental studies have shown that this missense change affects RYR1 function (PMID: 23894444). For these reasons, this variant has been classified as Pathogenic.

Literature cited by the submitters: PubMed 23894444 (cited by Labcorp Genetics (formerly Invitae), Labcorp).

NM_000540.3(RYR1):c.9047A>G (p.Tyr3016Cys)

Gene: RYR1 (ryanodine receptor 1; plus strand). Cytogenetic location: 19q13.2.
Variant type: single nucleotide variant.
Coding change: c.9047A>G on transcript NM_000540.3 (MANE Select); coding-DNA position 9047, A replaced by G.
Protein change: p.Tyr3016Cys; replaces tyrosine 3016 with cysteine.
Molecular consequence: missense variant.
Genome position (GRCh38, 1-based): chr19:38,510,706, A>G. VCF-style: chr19-38510706-A-G. GRCh37 (hg19) VCF-style: chr19-39001346-A-G.
Other names: c.9047A>G, p.Tyr3016Cys (NM_001042723.2); short protein forms Y3016C.
Identifiers: ClinVar variation 478296 (VCV000478296.10), dbSNP rs1555786853, ClinGen allele CA405683726.